The following is an entry in ClinVar:

ClinVar aggregate classification (germline): Uncertain significance (1 of 4 stars; one submission).

Conditions:
Bethlem myopathy 1A. Also called: Bethlem Muscular Dystrophy; MYOPATHY, BENIGN CONGENITAL, WITH CONTRACTURES; Bethlem myopathy 1. Identifiers: Orphanet 610, MedGen CN029274, MONDO:0024530, OMIM 158810.

Allele frequency attached by ClinVar (database versions not stated): gnomAD exomes below 0.00001.
gnomAD v4.1: 3 of 1,614,208 alleles (0.00019%); highest among the groups gnomAD compares: African/African-American, 0.0013%; no homozygotes.

Submission:

Labcorp Genetics (formerly Invitae), Labcorp
Classification: Uncertain significance for Bethlem myopathy 1A. Last evaluated: 2022-07-23. Review status: criteria provided, single submitter. Criteria: Invitae Variant Classification Sherloc (09022015). Collection method: clinical testing. Allele origin: germline.
Comment: This variant is not present in population databases (gnomAD no frequency). This sequence change replaces glutamic acid, which is acidic and polar, with glycine, which is neutral and non-polar, at codon 1784 of the COL6A3 protein (p.Glu1784Gly). This variant has not been reported in the literature in individuals affected with COL6A3-related conditions. In summary, the available evidence is currently insufficient to determine the role of this variant in disease. Therefore, it has been classified as a Variant of Uncertain Significance. Advanced modeling of protein sequence and biophysical properties (such as structural, functional, and spatial information, amino acid conservation, physicochemical variation, residue mobility, and thermodynamic stability) performed at Invitae indicates that this missense variant is not expected to disrupt COL6A3 protein function. ClinVar contains an entry for this variant (Variation ID: 934866).

NM_004369.4(COL6A3):c.5351A>G (p.Glu1784Gly)

Gene: COL6A3 (collagen type VI alpha 3 chain; minus strand). Cytogenetic location: 2q37.3.
Variant type: single nucleotide variant.
Coding change: c.5351A>G on transcript NM_004369.4 (MANE Select); coding-DNA position 5351, A replaced by G.
Protein change: p.Glu1784Gly; replaces glutamic acid 1784 with glycine.
Molecular consequence: missense variant.
Genome position (GRCh38, 1-based): chr2:237,366,836, T>C on the plus strand (A>G on the coding strand, the complement: COL6A3 is on the minus strand). VCF-style: chr2-237366836-T-C. GRCh37 (hg19) VCF-style: chr2-238275479-T-C.
Other names: c.3530A>G, p.Glu1177Gly (NM_057166.5); c.4733A>G, p.Glu1578Gly (NM_057167.4); short protein forms E1784G, E1177G, E1578G.
Identifiers: ClinVar variation 934866 (VCV000934866.10), dbSNP rs2077565368, ClinGen allele CA351187667.
Genomic context (GRCh38, chr2:237,366,836, plus strand): 5'-TCCTGGACGTTGCCCACGCGGAACGCTGTGGCGCTGTTGGACGCTATCTTTCCAACCTCC[T>C]CCGAGTCGATATTCCTCACTCCAACAGCAAACACTTTGACCCCCCTCTGGGTGAGGGCCA-3'
Protein context (NP_004360.2, residues 1774-1794): FAVGVRNIDS[Glu1784Gly]EVGKIASNSA